The following is an entry in ClinVar:

NM_005359.6(SMAD4):c.*4862A>G

Gene: SMAD4 (SMAD family member 4; plus strand). Cytogenetic location: 18q21.2.
Variant type: single nucleotide variant.
Coding change: c.*4862A>G on transcript NM_005359.6 (MANE Select); 4862 bases downstream of the stop codon, A replaced by G.
Molecular consequence: 3 prime UTR variant.
Genome position (GRCh38, 1-based): chr18:51,083,329, A>G. VCF-style: chr18-51083329-A-G. GRCh37 (hg19) VCF-style: chr18-48609699-A-G.
Identifiers: ClinVar variation 327167 (VCV000327167.6), dbSNP rs139595540, ClinGen allele CA10650980.

ClinVar aggregate classification (germline): Benign/Likely benign. Review status: criteria provided, multiple submitters, no conflicts (2 of 4 stars). 4 submissions from 2 submitters: Benign (2); Likely benign (2). Last evaluated 2018-01-13.

Conditions:
Myhre syndrome (MYHRS). Also called: LARYNGOTRACHEAL STENOSIS, ARTHROPATHY, PROGNATHISM, AND SHORT STATURE; LAPS SYNDROME. Identifiers: Orphanet 2588, MedGen C0796081, MONDO:0007688, OMIM 139210.
Juvenile polyposis/hereditary hemorrhagic telangiectasia syndrome (JPHT). Also called: JP/HHT SYNDROME; JUVENILE POLYPOSIS WITH HEREDITARY HEMORRHAGIC TELANGIECTASIA; POLYPOSIS, GENERALIZED JUVENILE, WITH PULMONARY ARTERIOVENOUS MALFORMATION; TELANGIECTASIA, HEREDITARY HEMORRHAGIC, WITH JUVENILE POLYPOSIS COLI; Juvenile Polyposis Syndrome / Hereditary Hemorrhagic Telangiectasia (JPS/HHT). Identifiers: Orphanet 2929, MedGen C1832942, MONDO:0008278, OMIM 175050.
Generalized juvenile polyposis/juvenile polyposis coli. Also called: Juvenile polyposis coli. Identifiers: Orphanet 329971, MedGen C1868081, MONDO:0008276.

Allele frequency attached by ClinVar (database versions not stated): gnomAD exomes 0.00042; TOPMed 0.00044; gnomAD 0.00045 and 0.00049; 1000 Genomes Project 0.00060; 1000 Genomes Project 30x 0.00062.
gnomAD v4.1: 104 of 228,042 alleles (0.046%); highest among the groups gnomAD compares: Middle Eastern, 0.13%; no homozygotes.

Submissions (4):

Illumina Laboratory Services, Illumina
Classification: Benign for Myhre syndrome. Last evaluated: 2018-01-13. Review status: criteria provided, single submitter. Criteria: ICSL Variant Classification Criteria 13 December 2019. Collection method: clinical testing. Allele origin: germline.
Comment: This variant was observed in the ICSL laboratory as part of a predisposition screen in an ostensibly healthy population. It had not been previously curated by ICSL or reported in the Human Gene Mutation Database (HGMD: prior to June 1st, 2018), and was therefore a candidate for classification through an automated scoring system. Utilizing variant allele frequency, disease prevalence and penetrance estimates, and inheritance mode, an automated score was calculated to assess if this variant is too frequent to cause the disease. Based on the score and internal cut-off values, a variant classified as benign is not then subjected to further curation. The score for this variant resulted in a classification of benign for this disease.

Illumina Laboratory Services, Illumina
Classification: Likely benign for Juvenile polyposis/hereditary hemorrhagic telangiectasia syndrome. Last evaluated: 2018-01-13. Review status: criteria provided, single submitter. Criteria: ICSL Variant Classification Criteria 13 December 2019. Collection method: clinical testing. Allele origin: germline.
Comment: This variant was observed in the ICSL laboratory as part of a predisposition screen in an ostensibly healthy population. It had not been previously curated by ICSL or reported in the Human Gene Mutation Database (HGMD: prior to June 1st, 2018), and was therefore a candidate for classification through an automated scoring system. Utilizing variant allele frequency, disease prevalence and penetrance estimates, and inheritance mode, an automated score was calculated to assess if this variant is too frequent to cause the disease. Based on the score and internal cut-off values, a variant classified as likely benign is not then subjected to further curation. The score for this variant resulted in a classification of likely benign for this disease.

Illumina Laboratory Services, Illumina
Classification: Benign for Juvenile polyposis syndrome. Last evaluated: 2018-01-13. Review status: criteria provided, single submitter. Criteria: ICSL Variant Classification Criteria 13 December 2019. Collection method: clinical testing. Allele origin: germline.
Comment: the same text as in the submission from Illumina Laboratory Services, Illumina above.

Breakthrough Genomics
Classification: Likely benign. Review status: criteria provided, single submitter. Criteria: ACMG Guidelines, 2015. Collection method: not provided. Allele origin: germline. Inheritance: Autosomal dominant inheritance. Affected: yes.